The following is an entry in ClinVar:

ClinVar aggregate classification (germline): Likely pathogenic (1 of 4 stars; one submission).

Conditions:
Pseudo-TORCH syndrome 1 (PTORCH1). Also called: Band-like calcification with simplified gyration and polymicrogyria. Identifiers: Orphanet 1229, MedGen C4552078, MONDO:0020789, OMIM 251290.

Submission:

Juno Genomics, Hangzhou Juno Genomics, Inc
Classification: Likely pathogenic for Pseudo-TORCH syndrome 1. Review status: criteria provided, single submitter. Criteria: ACMG Guidelines, 2015. Collection method: clinical testing. Allele origin: germline.
Comment: Null variant in a gene where loss of function (LOF) is a known mechanism of disease.;Absent from controls (or at extremely low frequency if recessive) in Genome Aggregation Database.

NM_001205254.2(OCLN):c.374del (p.Gly125fs)

Gene: OCLN (occludin; plus strand). Cytogenetic location: 5q13.2.
Variant type: Deletion.
Coding change: c.374del on transcript NM_001205254.2 (MANE Select); coding-DNA position 374, one base deleted (G; older notation c.374delG).
Protein change: p.Gly125fs; shifts the reading frame from glycine 125.
Molecular consequence: frameshift variant. On other transcripts: intron variant (1).
Genome position (GRCh38, 1-based): chr5:69,509,464, G deleted; the last of 2 consecutive G bases (chr5:69,509,463-69,509,464); deleting either gives the same sequence. VCF-style (leftmost placement, unchanged base first): chr5-69509462-TG-T. GRCh37 (hg19) VCF-style: chr5-68805289-TG-T.
Other names: c.374del, p.Gly125fs (NM_001410743.1, NM_001438048.1, NM_001438604.1 and 1 more transcripts); c.-24-4484del (NM_001205255.2); short protein forms G125fs.
Identifiers: ClinVar variation 5006919 (VCV005006919.2).
Genomic context (GRCh38, chr5:69,509,462, plus strand): 5'-CCCTTATGGAGGAAGTGGCTTTGGTAGCTACGGAAGTGGCTATGGCTATGGCTATGGTTA[TG>T]GCTATGGCTACGGAGGCTATACAGACCCAAGAGCAGCAAAGGGCTTCATGTTGGCCATGG-3'